The following is an entry in ClinVar:

ClinVar aggregate classification (germline): Uncertain significance (1 of 4 stars; one submission).

Submission:

GeneDx
Classification: Uncertain significance. Last evaluated: 2019-06-21. Review status: criteria provided, single submitter. Criteria: GeneDx Variant Classification Process June 2021. Collection method: clinical testing. Allele origin: germline. Affected: yes.
Comment: In silico analysis, which includes protein predictors and evolutionary conservation, supports a deleterious effect; Not observed in large population cohorts (Lek et al., 2016); Has not been previously published as pathogenic or benign to our knowledge

NM_017617.5(NOTCH1):c.1739G>C (p.Cys580Ser)

Gene: NOTCH1 (notch receptor 1; minus strand). Cytogenetic location: 9q34.3.
Variant type: single nucleotide variant.
Coding change: c.1739G>C on transcript NM_017617.5 (MANE Select); coding-DNA position 1739, G replaced by C.
Protein change: p.Cys580Ser; replaces cysteine 580 with serine.
Molecular consequence: missense variant.
Genome position (GRCh38, 1-based): chr9:136,515,647, C>G on the plus strand (G>C on the coding strand, the complement: NOTCH1 is on the minus strand). VCF-style: chr9-136515647-C-G. GRCh37 (hg19) VCF-style: chr9-139410099-C-G.
Other names: short protein forms C580S.
Identifiers: ClinVar variation 1304626 (VCV001304626.2), dbSNP rs2133364081, ClinGen allele CA375560190.
Genomic context (GRCh38, chr9:136,515,647, plus strand): 5'-CAGTGGTGGCCCGTGTAGCCTGGGCGGCAGAGGCAGGTGAAGGTGGCGACGCCGTCCTTG[C>G]AGGAGCCGTAGTGGCAGGGGTCGGGGTCGCACTCATCGATGTCCACCTCGCAGTGCGTCC-3'
Protein context (NP_060087.3, residues 570-590): CDPDPCHYGS[Cys580Ser]KDGVATFTCL